The following is an entry in ClinVar:

ClinVar aggregate classification (germline): Pathogenic (1 of 4 stars; one submission).

Conditions:
Epilepsy, familial focal, with variable foci 3 (FFEVF3). Identifiers: MedGen C4310708, MONDO:0014925, OMIM 617118.

Submission:

Labcorp Genetics (formerly Invitae), Labcorp
Classification: Pathogenic for Epilepsy, familial focal, with variable foci 3. Last evaluated: 2021-08-04. Review status: criteria provided, single submitter. Criteria: Invitae Variant Classification Sherloc (09022015). Collection method: clinical testing. Allele origin: germline.
Comment: This variant is a gross deletion of the genomic region encompassing exon(s) 6-14 of the NPRL3 gene. The 5' boundary is likely confined to intron 5. The 3' end of this event is unknown as it extends through the termination codon beyond the assayed region for this gene and may encompass additional genes. While this deletion is not anticipated to lead to nonsense mediated decay, it is expected to alter mRNA translation or result in a truncated protein product. This variant has not been reported in the literature in individuals affected with NPRL3-related conditions. This variant disrupts a region of the NPRL3 protein in which other variant(s) (p.Glu508Argfs*46) have been determined to be pathogenic (PMID: 26786403). This suggests that this is a clinically significant region of the protein, and that variants that disrupt it are likely to be disease-causing. For these reasons, this variant has been classified as Pathogenic.

Literature cited by the submitters: PubMed 26786403.

NC_000016.9:g.(?_136684)_(162794_?)del

Gene: NPRL3 (NPR3 like, GATOR1 complex subunit; minus strand). Cytogenetic location: 16p13.3.
Variant type: Deletion.
Identifiers: ClinVar variation 830471 (VCV000830471.6).